The following is an entry in ClinVar:

ClinVar aggregate classification (germline): Uncertain significance (1 of 4 stars; one submission).

Conditions:
Nemaline myopathy 2 (NEM2). Also called: Nemaline myopathy 2, autosomal recessive. Identifiers: MedGen C1850569, MONDO:0009725, OMIM 256030.

Allele frequency attached by ClinVar (database versions not stated): TOPMed below 0.00001; gnomAD 0.00001.
gnomAD v4.1: 1 of 1,613,030 alleles (0.000062%); highest among the groups gnomAD compares: Non-Finnish European, 0.000085%; no homozygotes.

Submission:

Labcorp Genetics (formerly Invitae), Labcorp
Classification: Uncertain significance for Nemaline myopathy 2. Last evaluated: 2021-08-31. Review status: criteria provided, single submitter. Criteria: Invitae Variant Classification Sherloc (09022015). Collection method: clinical testing. Allele origin: germline.
Comment: This sequence change replaces lysine with threonine at codon 7922 of the NEB protein (p.Lys7922Thr). The lysine residue is moderately conserved and there is a moderate physicochemical difference between lysine and threonine. This variant is not present in population databases (ExAC no frequency). This variant has not been reported in the literature in individuals affected with NEB-related conditions. Algorithms developed to predict the effect of missense changes on protein structure and function are either unavailable or do not agree on the potential impact of this missense change (SIFT: "Deleterious"; PolyPhen-2: "Not Available"; Align-GVGD: "Class C0"). In summary, the available evidence is currently insufficient to determine the role of this variant in disease. Therefore, it has been classified as a Variant of Uncertain Significance.

NM_001164508.2(NEB):c.23660A>C (p.Lys7887Thr)

Genes: NEB (nebulin; minus strand), RIF1 (replication timing regulatory factor 1; plus strand). Cytogenetic location: 2q23.3.
Variant type: single nucleotide variant.
Coding change: c.23660A>C on transcript NM_001164508.2 (MANE Select); coding-DNA position 23660, A replaced by C.
Protein change: p.Lys7887Thr; replaces lysine 7887 with threonine.
Molecular consequence: missense variant.
Genome position (GRCh38, 1-based): chr2:151,505,560, T>G on the plus strand (A>C on the coding strand, the complement: NEB is on the minus strand). VCF-style: chr2-151505560-T-G. GRCh37 (hg19) VCF-style: chr2-152362074-T-G.
Other names: c.23660A>C, p.Lys7887Thr (NM_001164507.2); c.23765A>C, p.Lys7922Thr (NM_001271208.2); c.18557A>C, p.Lys6186Thr (NM_004543.5); short protein forms K6186T, K7887T, K7922T.
Identifiers: ClinVar variation 1006835 (VCV001006835.6), dbSNP rs1166941249, ClinGen allele CA348783455.